The following is an entry in ClinVar:

ClinVar aggregate classification (germline): Uncertain significance (1 of 4 stars; one submission).

Submission:

GeneDx
Classification: Uncertain significance. Last evaluated: 2024-05-03. Review status: criteria provided, single submitter. Criteria: GeneDx Variant Classification Process June 2021. Collection method: clinical testing. Allele origin: germline. Affected: yes.
Comment: Not observed at significant frequency in large population cohorts (gnomAD); In silico analysis indicates that this missense variant does not alter protein structure/function; Has not been previously published as pathogenic or benign to our knowledge; This variant is associated with the following publications: (PMID: 22571692)

NM_003119.4(SPG7):c.1694A>G (p.Lys565Arg)

Gene: SPG7 (SPG7 matrix AAA peptidase subunit, paraplegin; plus strand). Cytogenetic location: 16q24.3.
Variant type: single nucleotide variant.
Coding change: c.1694A>G on transcript NM_003119.4 (MANE Select); coding-DNA position 1694, A replaced by G.
Protein change: p.Lys565Arg; replaces lysine 565 with arginine.
Molecular consequence: missense variant.
Genome position (GRCh38, 1-based): chr16:89,550,524, A>G. VCF-style: chr16-89550524-A-G. GRCh37 (hg19) VCF-style: chr16-89616932-A-G.
Other names: c.1694A>G, p.Lys565Arg (NM_001363850.1); short protein forms K565R.
Identifiers: ClinVar variation 3373414 (VCV003373414.1).